The following is an entry in ClinVar:

NM_005902.4(SMAD3):c.1219C>T (p.Leu407Phe)

Gene: SMAD3 (SMAD family member 3; plus strand). Cytogenetic location: 15q22.33.
Variant type: single nucleotide variant.
Coding change: c.1219C>T on transcript NM_005902.4 (MANE Select); coding-DNA position 1219, C replaced by T.
Protein change: p.Leu407Phe; replaces leucine 407 with phenylalanine.
Molecular consequence: missense variant.
Genome position (GRCh38, 1-based): chr15:67,190,477, C>T. VCF-style: chr15-67190477-C-T. GRCh37 (hg19) VCF-style: chr15-67482815-C-T.
Other names: c.904C>T, p.Leu302Phe (NM_001145102.2, NM_001407016.1); c.1087C>T, p.Leu363Phe (NM_001145103.2, NM_001407012.1); c.634C>T, p.Leu212Phe (NM_001145104.2, NM_001407017.1); c.1330C>T, p.Leu444Phe (NM_001407011.1); c.1081C>T, p.Leu361Phe (NM_001407013.1); c.1072C>T, p.Leu358Phe (NM_001407014.1); c.772C>T, p.Leu258Phe (NM_001407015.1); short protein forms L258F, L302F, L212F, L358F, L363F, L444F, L361F, L407F.
Identifiers: ClinVar variation 3445812 (VCV003445812.1).

ClinVar aggregate classification (germline): Uncertain significance (1 of 4 stars; one submission).

Conditions:
Familial thoracic aortic aneurysm and aortic dissection (TAAD). Also called: Thoracic aortic aneurysms and dissections. Identifiers: Orphanet 91387, MedGen C4707243, MONDO:0019625.

Submission:

Ambry Genetics
Classification: Uncertain significance for Familial thoracic aortic aneurysm and aortic dissection. Last evaluated: 2024-07-09. Review status: criteria provided, single submitter. Criteria: Ambry Variant Classification Scheme 2023. Collection method: clinical testing. Allele origin: germline.
Comment: The p.L407F variant (also known as c.1219C>T), located in coding exon 9 of the SMAD3 gene, results from a C to T substitution at nucleotide position 1219. The leucine at codon 407 is replaced by phenylalanine, an amino acid with highly similar properties. This amino acid position is highly conserved in available vertebrate species. In addition, this alteration is predicted to be deleterious by in silico analysis. Based on the available evidence, the clinical significance of this variant remains unclear.